The following is an entry in ClinVar:

NM_002017.5(FLI1):c.970C>T (p.Arg324Trp)

Gene: FLI1 (Fli-1 proto-oncogene, ETS transcription factor; plus strand). Cytogenetic location: 11q24.3.
Variant type: single nucleotide variant.
Coding change: c.970C>T on transcript NM_002017.5 (MANE Select); coding-DNA position 970, C replaced by T.
Protein change: p.Arg324Trp; replaces arginine 324 with tryptophan.
Molecular consequence: missense variant.
Genome position (GRCh38, 1-based): chr11:128,810,599, C>T. VCF-style: chr11-128810599-C-T. GRCh37 (hg19) VCF-style: chr11-128680494-C-T.
Other names: c.871C>T, p.Arg291Trp (NM_001167681.3); c.772C>T, p.Arg258Trp (NM_001271010.2); c.391C>T, p.Arg131Trp (NM_001271012.2); short protein forms R131W, R258W, R291W, R324W.
Identifiers: ClinVar variation 217031 (VCV000217031.2), dbSNP rs773148506, ClinGen allele CA210013.
Genomic context (GRCh38, chr11:128,810,599, plus strand): 5'-GGGACCAACGGGGAGTTCAAAATGACGGACCCCGATGAGGTGGCCAGGCGCTGGGGCGAG[C>T]GGAAAAGCAAGCCCAACATGAATTACGACAAGCTGAGCCGGGCCCTCCGTTATTACTATG-3'
Protein context (NP_002008.2, residues 314-334): PDEVARRWGE[Arg324Trp]KSKPNMNYDK

ClinVar aggregate classification (germline): Pathogenic. Review status: criteria provided, single submitter (1 of 4 stars). 2 submissions from 2 submitters: Pathogenic (1). 1 of the submissions does not count toward it. Last evaluated 2015-01-21.

Conditions:
Bleeding disorder platelet type macrothrombocytopenia. Identifiers: MedGen CN233138.
Bleeding disorder, platelet-type, 21 (BDPLT21). Identifiers: MedGen C4479515, MONDO:0054577, OMIM 617443.

gnomAD v4.1: 3 of 1,613,566 alleles (0.00019%); highest among the groups gnomAD compares: Non-Finnish European, 0.00017%; no homozygotes.

Submissions (2):

Northern Blood Research Centre, University of Sydney
Classification: Pathogenic for Bleeding disorder platelet type macrothrombocytopenia. Last evaluated: 2015-01-21. Review status: criteria provided, single submitter. Criteria: Submitter's publication. Collection method: clinical testing. Allele origin: inherited. Affected: yes. Observed: 4 variant alleles. Study: NextGen of Inherited platelet disorders.
Comment: Autosomal recessive

OMIM
Classification: Pathogenic for BLEEDING DISORDER, PLATELET-TYPE, 21, AUTOSOMAL RECESSIVE. Last evaluated: 2015-08-27. Review status: no assertion criteria provided. Collection method: literature only. Allele origin: germline. Not counted in ClinVar's aggregate classification.

Literature cited by the submitters: PubMed 26316623 (cited by Northern Blood Research Centre, University of Sydney and OMIM).